The following is an entry in ClinVar:

ClinVar aggregate classification (germline): Uncertain significance (1 of 4 stars; one submission).

gnomAD v4.1: 12 of 1,606,266 alleles (0.00075%); highest among the groups gnomAD compares: African/African-American, 0.015%; no homozygotes.

Submission:

GeneDx
Classification: Uncertain significance. Last evaluated: 2026-02-05. Review status: criteria provided, single submitter. Criteria: GeneDx Variant Classification Process June 2021. Collection method: clinical testing. Allele origin: germline.
Comment: In silico analysis suggests that this missense variant does not alter protein structure/function; Has not been previously published as pathogenic or benign to our knowledge

NM_004447.6(EPS8):c.1826A>G (p.Gln609Arg)

Gene: EPS8 (EGFR pathway substrate 8, signaling adaptor; minus strand). Cytogenetic location: 12p12.3.
Variant type: single nucleotide variant.
Coding change: c.1826A>G on transcript NM_004447.6 (MANE Select); coding-DNA position 1826, A replaced by G.
Protein change: p.Gln609Arg; replaces glutamine 609 with arginine.
Molecular consequence: missense variant. On other transcripts: non-coding transcript variant (3).
Genome position (GRCh38, 1-based): chr12:15,631,660, T>C on the plus strand (A>G on the coding strand, the complement: EPS8 is on the minus strand). VCF-style: chr12-15631660-T-C. GRCh37 (hg19) VCF-style: chr12-15784594-T-C.
Other names: c.1862A>G, p.Gln621Arg (NM_001413831.1); c.1826A>G, p.Gln609Arg (NM_001413832.1, NM_001413833.1, NM_001413834.1); c.1586A>G, p.Gln529Arg (NM_001413835.1, NM_001413836.1); c.1409A>G, p.Gln470Arg (NM_001413837.1); c.1046A>G, p.Gln349Arg (NM_001413838.1); short protein forms Q349R, Q470R, Q529R, Q609R, Q621R.
Identifiers: ClinVar variation 4282380 (VCV004282380.2).